The following is an entry in ClinVar:

NM_032806.6(POMGNT2):c.740_741del (p.Phe247fs)

Gene: POMGNT2 (protein O-linked mannose N-acetylglucosaminyltransferase 2 (beta 1,4-); minus strand). Cytogenetic location: 3p22.1.
Variant type: Deletion.
Coding change: c.740_741del on transcript NM_032806.6 (MANE Select); coding-DNA positions 740 to 741, 2 bases deleted (TT; older notation c.740_741delTT).
Protein change: p.Phe247fs; shifts the reading frame from phenylalanine 247.
Molecular consequence: frameshift variant.
Genome position (GRCh38, 1-based): chr3:43,080,691-43,080,692, AA deleted on the plus strand (TT on the coding strand, the reverse complement: POMGNT2 is on the minus strand); deleting any 2 consecutive bases within chr3:43,080,691-43,080,693 gives the same sequence; the c. name uses the placement nearest the transcript's 3' end. VCF-style (leftmost placement, unchanged base first): chr3-43080690-CAA-C. GRCh37 (hg19) VCF-style: chr3-43122182-CAA-C.
Other names: c.740_741del, p.Phe247fs (NM_001437285.1); short protein forms F247fs.
Identifiers: ClinVar variation 4812128 (VCV004812128.1).
Genomic context (GRCh38, chr3:43,080,690, plus strand): 5'-CAAACTGCCGGATCTCATTGCCTGAGACGAGGATGTTGGCCTTCGGGCCCTGGGGCTGCA[CAA>C]AGCCATACTGGTACCAGGTAGTGATCTTGGAGAGGCCCACAAAAGCATGGGAGAAGCACA-3'

ClinVar aggregate classification (germline): Pathogenic (1 of 4 stars; one submission).

Conditions:
Muscular dystrophy-dystroglycanopathy (congenital with brain and eye anomalies), type a, 8 (MDDGA8). Also called: WALKER-WARBURG SYNDROME OR MUSCLE-EYE-BRAIN DISEASE, GTDC2-RELATED. Identifiers: Orphanet 899, MedGen C3553813, MONDO:0013904, OMIM 614830.

Submission:

Labcorp Genetics (formerly Invitae), Labcorp
Classification: Pathogenic for Muscular dystrophy-dystroglycanopathy (congenital with brain and eye anomalies), type a, 8. Last evaluated: 2025-05-19. Review status: criteria provided, single submitter. Criteria: Invitae Variant Classification Sherloc (09022015). Collection method: clinical testing. Allele origin: germline.
Comment: This sequence change creates a premature translational stop signal (p.Phe247Cysfs*16) in the POMGNT2 gene. While this is not anticipated to result in nonsense mediated decay, it is expected to disrupt the last 334 amino acid(s) of the POMGNT2 protein. This variant is not present in population databases (gnomAD no frequency). This premature translational stop signal has been observed in individual(s) with limb-girdle muscular dystrophy (PMID: 27708273). This variant is also known as c.740_741delAA. This variant disrupts a region of the POMGNT2 protein in which other variant(s) (p.Gln411Argfs*10) have been determined to be pathogenic (PMID: 35229910). This suggests that this is a clinically significant region of the protein, and that variants that disrupt it are likely to be disease-causing. For these reasons, this variant has been classified as Pathogenic.

Literature cited by the submitters: PubMed 27708273; PubMed 35229910.